The following is an entry in ClinVar:

NM_014159.7(SETD2):c.6354A>G (p.Thr2118=)

Gene: SETD2 (SET domain containing 2, histone lysine methyltransferase; minus strand). Cytogenetic location: 3p21.31.
Variant type: single nucleotide variant.
Coding change: c.6354A>G on transcript NM_014159.7 (MANE Select); coding-DNA position 6354, A replaced by G.
Protein change: p.Thr2118=; no amino-acid change (threonine 2118 retained).
Molecular consequence: synonymous variant. On other transcripts: non-coding transcript variant (1).
Genome position (GRCh38, 1-based): chr3:47,057,430, T>C on the plus strand (A>G on the coding strand, the complement: SETD2 is on the minus strand). VCF-style: chr3-47057430-T-C. GRCh37 (hg19) VCF-style: chr3-47098920-T-C.
Other names: c.6222A>G, p.Thr2074= (NM_001349370.3); c.6354A>G (NM_014159.6).
Identifiers: ClinVar variation 1107614 (VCV001107614.10), dbSNP rs759326574, ClinGen allele CA2362713.

ClinVar aggregate classification (germline): Likely benign. Review status: criteria provided, multiple submitters, no conflicts (2 of 4 stars). 3 submissions from 3 submitters: Likely benign (2). 1 of the submissions does not count toward it. Last evaluated 2022-12-21.

Conditions:
Luscan-Lumish syndrome. Identifiers: Orphanet 597738, MedGen C4085873, MONDO:0014791, OMIM 616831.
SETD2-related disorder.

Allele frequency attached by ClinVar (database versions not stated): ExAC 0.00001; gnomAD 0.00001; gnomAD exomes 0.00001 and 0.00005; TOPMed 0.00002.
gnomAD v4.1: 74 of 1,614,128 alleles (0.0046%); highest among the groups gnomAD compares: Non-Finnish European, 0.0063%; no homozygotes.

Submissions (3):

Blueprint Genetics
Classification: Likely benign. Last evaluated: 2022-12-21. Review status: criteria provided, single submitter. Criteria: ACMG Guidelines, 2015. Collection method: clinical testing. Allele origin: germline.

Labcorp Genetics (formerly Invitae), Labcorp
Classification: Likely benign for Luscan-Lumish syndrome. Last evaluated: 2020-04-27. Review status: criteria provided, single submitter. Criteria: Invitae Variant Classification Sherloc (09022015). Collection method: clinical testing. Allele origin: germline.

PreventionGenetics, part of Exact Sciences
Classification: Likely benign for SETD2-related condition. Last evaluated: 2021-09-15. Review status: no assertion criteria provided. Collection method: clinical testing. Allele origin: germline. Not counted in ClinVar's aggregate classification.
Comment: This variant is classified as likely benign based on ACMG/AMP sequence variant interpretation guidelines (Richards et al. 2015 PMID: 25741868, with internal and published modifications).